The following is an entry in ClinVar:

ClinVar aggregate classification (germline): Uncertain significance (1 of 4 stars; one submission).

Conditions:
Multiple gastrointestinal atresias. Also called: Multiple intestinal atresia; FAMILIAL INTESTINAL POLYATRESIA SYNDROME. Identifiers: Orphanet 2300, MedGen C0220744, MONDO:0009465.

Allele frequency attached by ClinVar (database versions not stated): gnomAD 0.00001; ExAC 0.00002; TOPMed 0.00002; gnomAD exomes 0.00004 and 0.00008.
gnomAD v4.1: 118 of 1,613,982 alleles (0.0073%); highest among the groups gnomAD compares: Non-Finnish European, 0.0099%; no homozygotes.

Submission:

Labcorp Genetics (formerly Invitae), Labcorp
Classification: Uncertain significance for Multiple gastrointestinal atresias. Last evaluated: 2021-08-30. Review status: criteria provided, single submitter. Criteria: Invitae Variant Classification Sherloc (09022015). Collection method: clinical testing. Allele origin: germline.
Comment: This sequence change replaces threonine with isoleucine at codon 190 of the TTC7A protein (p.Thr190Ile). The threonine residue is weakly conserved and there is a moderate physicochemical difference between threonine and isoleucine. This variant is present in population databases (rs761142818, ExAC 0.003%). This variant has not been reported in the literature in individuals affected with TTC7A-related conditions. Algorithms developed to predict the effect of missense changes on protein structure and function are either unavailable or do not agree on the potential impact of this missense change (SIFT: "Deleterious"; PolyPhen-2: "Benign"; Align-GVGD: "Class C0"). In summary, the available evidence is currently insufficient to determine the role of this variant in disease. Therefore, it has been classified as a Variant of Uncertain Significance.

NM_020458.4(TTC7A):c.569C>T (p.Thr190Ile)

Genes: TTC7A (tetratricopeptide repeat domain 7A; plus strand), LOC126806211 (CDK7 strongly-dependent group 2 enhancer GRCh37_chr2:47201305-47202504; plus strand). Cytogenetic location: 2p21.
Variant type: single nucleotide variant.
Coding change: c.569C>T on transcript NM_020458.4 (MANE Select); coding-DNA position 569, C replaced by T.
Protein change: p.Thr190Ile; replaces threonine 190 with isoleucine.
Molecular consequence: missense variant. On other transcripts: 5 prime UTR variant (1).
Genome position (GRCh38, 1-based): chr2:46,975,024, C>T. VCF-style: chr2-46975024-C-T. GRCh37 (hg19) VCF-style: chr2-47202163-C-T.
Other names: c.569C>T, p.Thr190Ile (NM_001288951.2); c.467C>T, p.Thr156Ile (NM_001288953.2); c.-336C>T (NM_001288955.2); short protein forms T190I, T156I.
Identifiers: ClinVar variation 1038645 (VCV001038645.6), dbSNP rs761142818, ClinGen allele CA1647259.